The following is an entry in ClinVar:

NM_019098.5(CNGB3):c.442A>G (p.Lys148Glu)

Gene: CNGB3 (cyclic nucleotide gated channel subunit beta 3; minus strand). Cytogenetic location: 8q21.3.
Variant type: single nucleotide variant.
Coding change: c.442A>G on transcript NM_019098.5 (MANE Select); coding-DNA position 442, A replaced by G.
Protein change: p.Lys148Glu; replaces lysine 148 with glutamic acid.
Molecular consequence: missense variant.
Genome position (GRCh38, 1-based): chr8:86,670,995, T>C on the plus strand (A>G on the coding strand, the complement: CNGB3 is on the minus strand). VCF-style: chr8-86670995-T-C. GRCh37 (hg19) VCF-style: chr8-87683223-T-C.
Other names: short protein forms K148E.
Identifiers: ClinVar variation 837230 (VCV000837230.8), dbSNP rs369138501, ClinGen allele CA4800399.

ClinVar aggregate classification (germline): Uncertain significance. Review status: criteria provided, multiple submitters, no conflicts (2 of 4 stars). 2 submissions from 2 submitters: Uncertain significance (2). Last evaluated 2025-10-21.

Allele frequency attached by ClinVar (database versions not stated): gnomAD exomes below 0.00001 and 0.00001; TOPMed 0.00001; ExAC 0.00002; ESP Exome Variant Server 0.00008.
gnomAD v4.1: 5 of 1,613,292 alleles (0.00031%); highest among the groups gnomAD compares: Admixed American, 0.0033%; no homozygotes.

Submissions (2):

Labcorp Genetics (formerly Invitae), Labcorp
Classification: Uncertain significance. Last evaluated: 2025-10-21. Review status: criteria provided, single submitter. Criteria: Invitae Variant Classification Sherloc (09022015). Collection method: clinical testing. Allele origin: germline.
Comment: This sequence change replaces lysine, which is basic and polar, with glutamic acid, which is acidic and polar, at codon 148 of the CNGB3 protein (p.Lys148Glu). This variant is present in population databases (rs369138501, gnomAD 0.003%). This missense change has been observed in individual(s) with achromatopsia (PMID: 12357335). This variant is also known as c.488A>G. ClinVar contains an entry for this variant (Variation ID: 837230). Invitae Evidence Modeling of protein sequence and biophysical properties (such as structural, functional, and spatial information, amino acid conservation, physicochemical variation, residue mobility, and thermodynamic stability) indicates that this missense variant is not expected to disrupt CNGB3 protein function with a negative predictive value of 95%. In summary, the available evidence is currently insufficient to determine the role of this variant in disease. Therefore, it has been classified as a Variant of Uncertain Significance.

Blueprint Genetics
Classification: Uncertain significance. Last evaluated: 2023-06-26. Review status: criteria provided, single submitter. Criteria: ACMG Guidelines, 2015. Collection method: clinical testing. Allele origin: germline.

Literature cited by the submitters: PubMed 12357335 (cited by Labcorp Genetics (formerly Invitae), Labcorp).